The following is an entry in ClinVar:

ClinVar aggregate classification (germline): Conflicting classifications of pathogenicity. Review status: criteria provided, conflicting classifications (1 of 4 stars). 2 submissions from 2 submitters: Likely pathogenic (1); Uncertain significance (1). Last evaluated 2025-03-21.

Conditions:
Familial melanoma. Also called: Hereditary melanoma; Hereditary cutaneous melanoma. Identifiers: Orphanet 618, MedGen C1512419, MONDO:0018961.
Hereditary cancer-predisposing syndrome. Also called: Hereditary neoplastic syndrome; Tumor predisposition; Neoplastic Syndromes, Hereditary; Hereditary Cancer Syndrome. Identifiers: Orphanet 140162, MedGen C0027672, MeSH D009386, MONDO:0015356.

Submissions (2):

Ambry Genetics
Classification: Likely pathogenic for Hereditary cancer-predisposing syndrome. Last evaluated: 2025-03-21. Review status: criteria provided, single submitter. Criteria: Ambry Variant Classification Scheme 2023. Collection method: clinical testing. Allele origin: germline.
Comment: The p.A102E variant (also known as c.305C>A), located in coding exon 2 of the CDKN2A gene, results from a C to A substitution at nucleotide position 305. The alanine at codon 102 is replaced by glutamic acid, an amino acid with dissimilar properties. Of note, this alteration is also known as c.348C>A (p.G116G)in the p14(ARF) isoform. The variant has been reported in individuals with features consistent with melanoma-pancreatic cancer syndrome (Arnaut JRMB et al. Int J Dermatol. 2023 Aug;62(8):1060-1066; external communication). A functional study demonstrated loss of cell-cycle arrest for this variant (Miller PJ et al. Hum Mutat. 2011 Aug;32(8):900-11). A structural assessment predicted that this variant is destabilizing to the protein (Ambry internal data). This amino acid position is well conserved in available vertebrate species. In addition, this alteration is predicted to be deleterious by in silico analysis. This variant is considered to be rare based on population cohorts in the Genome Aggregation Database (gnomAD). Based on the majority of available evidence to date, this variant is likely to be pathogenic.

Labcorp Genetics (formerly Invitae), Labcorp
Classification: Uncertain significance for Familial melanoma. Last evaluated: 2023-05-09. Review status: criteria provided, single submitter. Criteria: Invitae Variant Classification Sherloc (09022015). Collection method: clinical testing. Allele origin: germline.
Comment: ClinVar contains an entry for this variant (Variation ID: 9418). This variant has not been reported in the literature in individuals affected with CDKN2A (p16INK4a)-related conditions. This variant is not present in population databases (gnomAD no frequency). This sequence change replaces alanine, which is neutral and non-polar, with glutamic acid, which is acidic and polar, at codon 102 of the CDKN2A (p16INK4a) protein (p.Ala102Glu). An algorithm developed to predict the effect of missense changes on protein structure and function (PolyPhen-2) suggests that this variant is likely to be disruptive. In summary, the available evidence is currently insufficient to determine the role of this variant in disease. Therefore, it has been classified as a Variant of Uncertain Significance.

Literature cited by the submitters: PubMed 21462282 (cited by Ambry Genetics).

NM_000077.5(CDKN2A):c.305C>A (p.Ala102Glu)

Gene: CDKN2A (cyclin dependent kinase inhibitor 2A; minus strand). Cytogenetic location: 9p21.3.
Variant type: single nucleotide variant.
Coding change: c.305C>A on transcript NM_000077.5; coding-DNA position 305, C replaced by A.
Protein change: p.Ala102Glu; replaces alanine 102 with glutamic acid.
Molecular consequence: missense variant (on NM_000077.6). On other transcripts: synonymous variant (1), 3 prime UTR variant (1).
Genome position (GRCh38, 1-based): chr9:21,971,054, G>T on the plus strand (C>A on the coding strand, the complement: CDKN2A is on the minus strand). VCF-style: chr9-21971054-G-T. GRCh37 (hg19) VCF-style: chr9-21971053-G-T.
Other names: A94E; c.305C>A, p.Ala102Glu (NM_000077.6, NM_001195132.2); c.152C>A, p.Ala51Glu (NM_001363763.2); c.348C>A, p.Gly116= (NM_058195.4); c.*228C>A (NM_058197.5); short protein forms A102E, A51E.
Identifiers: ClinVar variation 9418 (VCV000009418.8), dbSNP rs137854598, ClinGen allele CA190730025.